The following is an entry in ClinVar:

NM_004415.4(DSP):c.5584A>T (p.Asn1862Tyr)

Gene: DSP (desmoplakin; plus strand). Cytogenetic location: 6p24.3.
Variant type: single nucleotide variant.
Coding change: c.5584A>T on transcript NM_004415.4 (MANE Select); coding-DNA position 5584, A replaced by T.
Protein change: p.Asn1862Tyr; replaces asparagine 1862 with tyrosine.
Molecular consequence: missense variant.
Genome position (GRCh38, 1-based): chr6:7,582,846, A>T. VCF-style: chr6-7582846-A-T. GRCh37 (hg19) VCF-style: chr6-7583079-A-T.
Other names: c.3787A>T, p.Asn1263Tyr (NM_001008844.3); c.4255A>T, p.Asn1419Tyr (NM_001319034.2); short protein forms N1862Y, N1263Y, N1419Y.
Identifiers: ClinVar variation 1504055 (VCV001504055.6), dbSNP rs2113698216, ClinGen allele CA362688949.

ClinVar aggregate classification (germline): Uncertain significance (1 of 4 stars; one submission).

Conditions:
Arrhythmogenic cardiomyopathy with wooly hair and keratoderma. Also called: Carvajal syndrome; Arrhythmogenic cardiomyopathy with woolly hair and keratoderma; PALMOPLANTAR KERATODERMA WITH LEFT VENTRICULAR CARDIOMYOPATHY AND WOOLLY HAIR; Dilated cardiomyopathy with woolly hair and keratoderma. Identifiers: Orphanet 65282, MedGen C1854063, MONDO:0011581, OMIM 605676.
Arrhythmogenic right ventricular dysplasia 8 (ARVD8). Also called: ARRHYTHMOGENIC RIGHT VENTRICULAR DYSPLASIA, FAMILIAL, 8; Arrhythmogenic Right Ventricular Dysplasia/Cardiomyopathy 8; ARRHYTHMOGENIC RIGHT VENTRICULAR CARDIOMYOPATHY 8. Identifiers: MedGen C1843896, MONDO:0011831, OMIM 607450.

Submission:

Labcorp Genetics (formerly Invitae), Labcorp
Classification: Uncertain significance for Arrhythmogenic cardiomyopathy with wooly hair and keratoderma; Arrhythmogenic right ventricular dysplasia 8. Last evaluated: 2022-08-16. Review status: criteria provided, single submitter. Criteria: Invitae Variant Classification Sherloc (09022015). Collection method: clinical testing. Allele origin: germline.
Comment: This variant has not been reported in the literature in individuals affected with DSP-related conditions. This variant is not present in population databases (gnomAD no frequency). This sequence change replaces asparagine, which is neutral and polar, with tyrosine, which is neutral and polar, at codon 1862 of the DSP protein (p.Asn1862Tyr). In summary, the available evidence is currently insufficient to determine the role of this variant in disease. Therefore, it has been classified as a Variant of Uncertain Significance. Algorithms developed to predict the effect of sequence changes on RNA splicing suggest that this variant may create or strengthen a splice site. Algorithms developed to predict the effect of missense changes on protein structure and function are either unavailable or do not agree on the potential impact of this missense change (SIFT: "Deleterious"; PolyPhen-2: "Probably Damaging"; Align-GVGD: "Class C15"). ClinVar contains an entry for this variant (Variation ID: 1504055).